The following is an entry in ClinVar:

NM_001080449.3(DNA2):c.2844G>T (p.Lys948Asn)

Gene: DNA2 (DNA replication helicase/nuclease 2; minus strand). Cytogenetic location: 10q21.3.
Variant type: single nucleotide variant.
Coding change: c.2844G>T on transcript NM_001080449.3 (MANE Select); coding-DNA position 2844, G replaced by T.
Protein change: p.Lys948Asn; replaces lysine 948 with asparagine.
Molecular consequence: missense variant. On other transcripts: non-coding transcript variant (1).
Genome position (GRCh38, 1-based): chr10:68,419,157, C>A on the plus strand (G>T on the coding strand, the complement: DNA2 is on the minus strand). VCF-style: chr10-68419157-C-A. GRCh37 (hg19) VCF-style: chr10-70178914-C-A.
Other names: short protein forms K948N.
Identifiers: ClinVar variation 2885310 (VCV002885310.3), dbSNP rs770861654, ClinGen allele CA208191912.

ClinVar aggregate classification (germline): Uncertain significance (1 of 4 stars; one submission).

Allele frequency attached by ClinVar (database versions not stated): TOPMed 0.00001.
gnomAD v4.1: 3 of 1,613,290 alleles (0.00019%); highest among the groups gnomAD compares: Non-Finnish European, 0.00025%; no homozygotes.

Submission:

Labcorp Genetics (formerly Invitae), Labcorp
Classification: Uncertain significance. Last evaluated: 2023-10-29. Review status: criteria provided, single submitter. Criteria: Invitae Variant Classification Sherloc (09022015). Collection method: clinical testing. Allele origin: germline.
Comment: This sequence change replaces lysine, which is basic and polar, with asparagine, which is neutral and polar, at codon 948 of the DNA2 protein (p.Lys948Asn). The frequency data for this variant in the population databases is considered unreliable, as metrics indicate poor data quality at this position in the gnomAD database. This variant has not been reported in the literature in individuals affected with DNA2-related conditions. Advanced modeling of protein sequence and biophysical properties (such as structural, functional, and spatial information, amino acid conservation, physicochemical variation, residue mobility, and thermodynamic stability) performed at Invitae indicates that this missense variant is not expected to disrupt DNA2 protein function with a negative predictive value of 80%. In summary, the available evidence is currently insufficient to determine the role of this variant in disease. Therefore, it has been classified as a Variant of Uncertain Significance.